The following is an entry in ClinVar:

NM_001385012.1(NBEA):c.2787A>C (p.Lys929Asn)

Gene: NBEA (neurobeachin; plus strand). Cytogenetic location: 13q13.3.
Variant type: single nucleotide variant.
Coding change: c.2787A>C on transcript NM_001385012.1 (MANE Select); coding-DNA position 2787, A replaced by C.
Protein change: p.Lys929Asn; replaces lysine 929 with asparagine.
Molecular consequence: missense variant.
Genome position (GRCh38, 1-based): chr13:35,157,213, A>C. VCF-style: chr13-35157213-A-C. GRCh37 (hg19) VCF-style: chr13-35731350-A-C.
Other names: c.2787A>C, p.Lys929Asn (NM_001379245.1, NM_015678.5); short protein forms K929N.
Identifiers: ClinVar variation 3390692 (VCV003390692.1).
Genomic context (GRCh38, chr13:35,157,213, plus strand): 5'-ACAGAAGATTACCGAAATGGTCTACAATATCTTCCGGATTCTTTTGTATCATGCAATAAA[A>C]TATGAATGGGGAGGCTGGAGAGTCTGGGTGGATACCCTCTCAATAGCCCATTCCAAGGTA-3'
Protein context (NP_001371941.1, residues 919-939): IFRILLYHAI[Lys929Asn]YEWGGWRVWV

ClinVar aggregate classification (germline): Uncertain significance (1 of 4 stars; one submission).

Submission:

GeneDx
Classification: Uncertain significance. Last evaluated: 2024-06-06. Review status: criteria provided, single submitter. Criteria: GeneDx Variant Classification Process June 2021. Collection method: clinical testing. Allele origin: germline. Affected: yes.
Comment: Not observed at significant frequency in large population cohorts (gnomAD); In silico analysis supports that this missense variant has a deleterious effect on protein structure/function; Has not been previously published as pathogenic or benign to our knowledge